The following is an entry in ClinVar:

NM_001048166.1(STIL):c.440G>A (p.Ser147Asn)

Gene: STIL (STIL centriolar assembly protein; minus strand). Cytogenetic location: 1p33.
Variant type: single nucleotide variant.
Coding change: c.440G>A on transcript NM_001048166.1 (MANE Select); coding-DNA position 440, G replaced by A.
Protein change: p.Ser147Asn; replaces serine 147 with asparagine.
Molecular consequence: missense variant.
Genome position (GRCh38, 1-based): chr1:47,301,574, C>T on the plus strand (G>A on the coding strand, the complement: STIL is on the minus strand). VCF-style: chr1-47301574-C-T. GRCh37 (hg19) VCF-style: chr1-47767246-C-T.
Other names: c.440G>A, p.Ser147Asn (NM_001282936.1, NM_001282937.1, NM_001282938.1 and 3 more transcripts); short protein forms S147N.
Identifiers: ClinVar variation 1481525 (VCV001481525.7), dbSNP rs763148843, ClinGen allele CA842596.

ClinVar aggregate classification (germline): Uncertain significance (1 of 4 stars; one submission).

Allele frequency attached by ClinVar (database versions not stated): ExAC 0.00002; gnomAD exomes 0.00003; gnomAD 0.00001.
gnomAD v4.1: 27 of 1,613,574 alleles (0.0017%); highest among the groups gnomAD compares: Non-Finnish European, 0.002%; no homozygotes.

Submission:

Labcorp Genetics (formerly Invitae), Labcorp
Classification: Uncertain significance. Last evaluated: 2022-04-29. Review status: criteria provided, single submitter. Criteria: Invitae Variant Classification Sherloc (09022015). Collection method: clinical testing. Allele origin: germline.
Comment: In summary, the available evidence is currently insufficient to determine the role of this variant in disease. Therefore, it has been classified as a Variant of Uncertain Significance. Algorithms developed to predict the effect of missense changes on protein structure and function output the following: SIFT: "Tolerated"; PolyPhen-2: "Benign"; Align-GVGD: "Class C0". The asparagine amino acid residue is found in multiple mammalian species, which suggests that this missense change does not adversely affect protein function. This variant has not been reported in the literature in individuals affected with STIL-related conditions. This variant is present in population databases (rs763148843, gnomAD 0.005%). This sequence change replaces serine, which is neutral and polar, with asparagine, which is neutral and polar, at codon 147 of the STIL protein (p.Ser147Asn).